The following is an entry in ClinVar:

NM_001288772.2(PIK3C2G):c.3780+1G>A

Gene: PIK3C2G (phosphatidylinositol-4-phosphate 3-kinase catalytic subunit type 2 gamma; plus strand). Cytogenetic location: 12p12.3.
Variant type: single nucleotide variant.
Coding change: c.3780+1G>A on transcript NM_001288772.2 (MANE Select); the canonical splice donor site of the intron after coding-DNA position 3780, G replaced by A.
Molecular consequence: splice donor variant.
Genome position (GRCh38, 1-based): chr12:18,562,893, G>A. VCF-style: chr12-18562893-G-A. GRCh37 (hg19) VCF-style: chr12-18715827-G-A.
Other names: NC_000012.11:g.18715827G>A; c.3657+1G>A (NM_004570.6); c.3114+1G>A (NM_001288774.2).
Identifiers: ClinVar variation 789216 (VCV000789216.10), dbSNP rs187352063, ClinGen allele CA6470727.

ClinVar aggregate classification (germline): Likely benign. Review status: criteria provided, multiple submitters, no conflicts (2 of 4 stars). 3 submissions from 3 submitters: Likely benign (3). Last evaluated 2026-02-01.

Allele frequency attached by ClinVar (database versions not stated): 1000 Genomes Project 30x 0.00078; 1000 Genomes Project 0.00080; TOPMed 0.00160; gnomAD exomes 0.00181 and 0.00248; ESP Exome Variant Server 0.00218; gnomAD 0.00229; ExAC 0.00275.
gnomAD v4.1: 3,806 of 1,585,754 alleles (0.24%); highest among the groups gnomAD compares: Non-Finnish European, 0.29%; 10 homozygotes.

Submissions (4):

CeGaT Center for Human Genetics Tuebingen
Classification: Likely benign. Last evaluated: 2026-02-01. Review status: criteria provided, single submitter. Criteria: CeGaT Center For Human Genetics Tuebingen Variant Classification Criteria Version 2. Collection method: clinical testing. Allele origin: germline. Affected: yes. Observed: 1 variant allele.
Comment: PIK3C2G: BS2

Labcorp Genetics (formerly Invitae), Labcorp
Classification: Likely benign. Last evaluated: 2019-12-31. Review status: criteria provided, single submitter. Criteria: Invitae Variant Classification Sherloc (09022015). Collection method: clinical testing. Allele origin: germline.

Breakthrough Genomics
Classification: Likely benign. Review status: criteria provided, single submitter. Criteria: ACMG Guidelines, 2015. Collection method: not provided. Allele origin: germline. Inheritance: Unknown mechanism. Affected: yes.

Dr. Peter K. Rogan Lab, Western University
No classification provided (evidence only). Condition: Hepatocellular carcinoma. Review status: no classification provided. Collection method: in vitro. Allele origin: not applicable. Functional consequence: skipped exon. Not counted in ClinVar's aggregate classification.